The following is an entry in ClinVar:

ClinVar aggregate classification (germline): Uncertain significance (1 of 4 stars; one submission).

Conditions:
Pitt-Hopkins-like syndrome 2 (PTHSL2). Identifiers: Orphanet 221150, Orphanet 600663, MedGen C3280479, MONDO:0013690, OMIM 614325.

Allele frequency attached by ClinVar (database versions not stated): gnomAD exomes below 0.00001.

Submission:

Labcorp Genetics (formerly Invitae), Labcorp
Classification: Uncertain significance for Pitt-Hopkins-like syndrome 2. Last evaluated: 2018-05-24. Review status: criteria provided, single submitter. Criteria: Invitae Variant Classification Sherloc (09022015). Collection method: clinical testing. Allele origin: germline.
Comment: This variant has not been reported in the literature in individuals with NRXN1-related disease. This variant is not present in population databases (ExAC no frequency). This sequence change replaces serine with phenylalanine at codon 751 of the NRXN1 protein (p.Ser751Phe). The serine residue is highly conserved and there is a large physicochemical difference between serine and phenylalanine. Algorithms developed to predict the effect of missense changes on protein structure and function do not agree on the potential impact of this missense change (SIFT: "Deleterious"; PolyPhen-2: "Probably Damaging"; Align-GVGD: "Class C15"). In summary, the available evidence is currently insufficient to determine the role of this variant in disease. Therefore, it has been classified as a Variant of Uncertain Significance.

NM_001330078.2(NRXN1):c.2132C>T (p.Ser711Phe)

Gene: NRXN1 (neurexin 1; minus strand). Cytogenetic location: 2p16.3.
Variant type: single nucleotide variant.
Coding change: c.2132C>T on transcript NM_001330078.2 (MANE Select); coding-DNA position 2132, C replaced by T.
Protein change: p.Ser711Phe; replaces serine 711 with phenylalanine.
Molecular consequence: missense variant.
Genome position (GRCh38, 1-based): chr2:50,538,264, G>A on the plus strand (C>T on the coding strand, the complement: NRXN1 is on the minus strand). VCF-style: chr2-50538264-G-A. GRCh37 (hg19) VCF-style: chr2-50765402-G-A.
Other names: c.2252C>T, p.Ser751Phe (NM_001135659.3); c.2108C>T, p.Ser703Phe (NM_001330077.2, NM_001330082.2, NM_001330095.2); c.2093C>T, p.Ser698Phe (NM_001330083.2, NM_001330084.2); c.2132C>T, p.Ser711Phe (NM_001330085.2, NM_001330086.2, NM_004801.6); c.2048C>T, p.Ser683Phe (NM_001330087.2, NM_001330096.2); c.2078C>T, p.Ser693Phe (NM_001330088.2); c.2129C>T, p.Ser710Phe (NM_001330093.2); c.2120C>T, p.Ser707Phe (NM_001330094.2); short protein forms S751F, S698F, S711F, S683F, S693F, S703F, S710F, S707F.
Identifiers: ClinVar variation 574502 (VCV000574502.8), dbSNP rs1558901426, ClinGen allele CA346770044.